The following is an entry in ClinVar:

ClinVar aggregate classification (germline): Pathogenic. Review status: reviewed by expert panel (3 of 4 stars). 4 submissions from 4 submitters: Pathogenic (1). 3 of the submissions do not count toward it. Last evaluated 2024-12-05.

Conditions:
Mucopolysaccharidosis type 1. Also called: IDUA deficiency; MPS I; Mucopolysaccharidosis Type I. Identifiers: Orphanet 579, MedGen C0023786, MONDO:0001586.

Submissions (4):

ClinGen Lysosomal Storage Disorder Variant Curation Expert Panel
Classification: Pathogenic for Mucopolysaccharidosis type 1. Last evaluated: 2024-12-05. Review status: reviewed by expert panel. Criteria: ClinGen LSD ACMG Specifications IDUA V1.0.0. Collection method: curation. Allele origin: germline. Inheritance: Autosomal recessive inheritance.
Comment: The NM_000203.5(IDUA):c.1587_1588dup (p.Leu530Argfs*31) variant in IDUA is a frameshift variant predicted to cause a premature stop codon in biologically relevant exon 12 leading to nonsense mediated decay in a gene in which loss-of-function is an established disease mechanism (PVS1). At least two MPS1 patients with this variant have been reported. One had documented IDUA deficiency within the affected range in leukocytes, elevated urinary GAGs, and clinical features consistent with MPS I (PMID: 21639919, 22074387) (PP4). Of these patients, one was compound heterozygous for the variant and another variant in IDUA that has been classified as pathogenic by the ClinGen LD VCEP, c.1205G>A (p.Trp402Ter) (ClinVar Variation ID: 11908), but it was not confirmed in trans (0.5 points, PMID:25098213). One individual was homozygous for the variant (0.5 points, PMID:21639919 ). Total: 1 point (PM3). This variant is absent in gnomAD v4.1.0. (PM2_Supporting). There is a ClinVar entry for this variant (Variation ID: 2203498). In summary, this variant meets the criteria to be classified as pathogenic for MPS I based on the IDUA-specific ACMG/AMP criteria applied, as specified by the ClinGen Lysosomal Diseases Variant Curation Expert Panel (Specifications Version 1.0.0): PVS1, PM3, PP4, PM2_Supporting. (Classification approved by the ClinGen Lysosomal Diseases Variant Curation Expert Panel on December 5, 2024)

Natera, Inc.
Classification: Pathogenic for Mucopolysaccharidosis type I. Last evaluated: 2025-03-14. Review status: criteria provided, single submitter. Criteria: Natera Variant Classification Schema (03/2026). Collection method: clinical testing. Allele origin: germline. Not counted in ClinVar's aggregate classification.
Comment: The c.1587_1588dup variant in IDUA is a frameshift variant predicted to shift the reading frame beginning at codon 530 and leads to a stop codon 31 codons downstream. This variant is expected to result in nonsense mediated decay, truncation, or a dysfunctional protein product. This variant is rare in the general population with a frequency below the threshold expected for the associated phenotype(s). This variant has been observed in one or more individuals affected with the associated recessive disease, as either homozygous or compound heterozygous with a second variant (PMID: 21639919). Given the available evidence, this variant is classified as Pathogenic.

Myriad Genetics, Inc.
Classification: Pathogenic for Mucopolysaccharidosis type 1. Last evaluated: 2025-01-22. Review status: criteria provided, single submitter. Criteria: Myriad Autosomal Dominant, Autosomal Recessive and X-Linked Classification Criteria (2023). Collection method: clinical testing. Allele origin: unknown. Not counted in ClinVar's aggregate classification.
Comment: NM_000203.3(IDUA):c.1587_1588dupGC(L530Rfs*31) is a frameshift variant classified as pathogenic in the context of mucopolysaccharidosis type I. L530Rfs*31 has been observed in cases with relevant disease (PMID: 37189891, 21639919). Relevant functional assessments of this variant are not available in the literature. L530Rfs*31 has not been observed in referenced population frequency databases. In summary, NM_000203.3(IDUA):c.1587_1588dupGC(L530Rfs*31) is a frameshift variant in a gene where loss of function is a known mechanism of disease, is predicted to disrupt protein function, and has been observed more frequently in cases with the relevant disease than in healthy populations. Please note: this variant was assessed in the context of healthy population screening.

Labcorp Genetics (formerly Invitae), Labcorp
Classification: Pathogenic for Mucopolysaccharidosis type 1. Last evaluated: 2021-12-12. Review status: criteria provided, single submitter. Criteria: Invitae Variant Classification Sherloc (09022015). Collection method: clinical testing. Allele origin: germline. Not counted in ClinVar's aggregate classification.
Comment: For these reasons, this variant has been classified as Pathogenic. This premature translational stop signal has been observed in individual(s) with mucopolysaccharidosis type I (PMID: 21639919, 25098213). This variant is not present in population databases (gnomAD no frequency). This sequence change creates a premature translational stop signal (p.Leu530Argfs*31) in the IDUA gene. It is expected to result in an absent or disrupted protein product. Loss-of-function variants in IDUA are known to be pathogenic (PMID: 11735025, 21480867).

Literature cited by the submitters: PubMed 21639919 (cited by 3 submitters); PubMed 37189891 (cited by Myriad Genetics, Inc.); PubMed 25098213 (cited by Labcorp Genetics (formerly Invitae), Labcorp); PubMed 11735025 (cited by Labcorp Genetics (formerly Invitae), Labcorp); PubMed 21480867 (cited by Labcorp Genetics (formerly Invitae), Labcorp).

NM_000203.5(IDUA):c.1587_1588dup (p.Leu530fs)

Gene: IDUA (alpha-L-iduronidase; plus strand). Cytogenetic location: 4p16.3.
Variant type: Microsatellite.
Coding change: c.1587_1588dup on transcript NM_000203.5 (MANE Select); coding-DNA positions 1587 to 1588, 2 bases duplicated (GC; older notation c.1587_1588dupGC).
Protein change: p.Leu530fs; shifts the reading frame from leucine 530.
Molecular consequence: frameshift variant. On other transcripts: non-coding transcript variant (1).
Genome position (GRCh38, 1-based): chr4:1,003,407-1,003,408, GC duplicated; duplicating any 2 consecutive bases within chr4:1,003,404-1,003,408 gives the same sequence; the c. name uses the placement nearest the transcript's 3' end. VCF-style (leftmost placement, unchanged base first): chr4-1003403-C-CCG. GRCh37 (hg19) VCF-style: chr4-997191-C-CCG.
Other names: NM_000203.5(IDUA):c.1587_1588dup; p.Leu530fs; c.1587_1588dup (NM_000203.4); c.1191_1192dup, p.Leu398fs (NM_001363576.1); short protein forms L530fs, L398fs.
Identifiers: ClinVar variation 2203498 (VCV002203498.8), dbSNP rs2534097623, ClinGen allele CA2580616050.